The following is an entry in ClinVar:

NM_001271.4(CHD2):c.3455G>A (p.Arg1152Gln)

Gene: CHD2 (chromodomain helicase DNA binding protein 2; plus strand). Cytogenetic location: 15q26.1.
Variant type: single nucleotide variant.
Coding change: c.3455G>A on transcript NM_001271.4 (MANE Select); coding-DNA position 3455, G replaced by A.
Protein change: p.Arg1152Gln; replaces arginine 1152 with glutamine.
Molecular consequence: missense variant.
Genome position (GRCh38, 1-based): chr15:92,991,517, G>A. VCF-style: chr15-92991517-G-A. GRCh37 (hg19) VCF-style: chr15-93534747-G-A.
Other names: short protein forms R1152Q.
Identifiers: ClinVar variation 2058262 (VCV002058262.4), dbSNP rs2505576989, ClinGen allele CA393896186.

ClinVar aggregate classification (germline): Pathogenic (1 of 4 stars; one submission).

Conditions:
Developmental and epileptic encephalopathy 94 (DEE94). Also called: Epileptic encephalopathy, childhood-onset; CHD2-Related Neurodevelopmental Disorders. Identifiers: Orphanet 1942, Orphanet 2382, MedGen C3809278, MONDO:0014150, OMIM 615369.

Allele frequency attached by ClinVar (database versions not stated): gnomAD exomes below 0.00001.
gnomAD v4.1: 1 of 1,602,682 alleles (0.000062%); no homozygotes.

Submission:

Labcorp Genetics (formerly Invitae), Labcorp
Classification: Pathogenic for Developmental and epileptic encephalopathy 94. Last evaluated: 2025-05-05. Review status: criteria provided, single submitter. Criteria: Invitae Variant Classification Sherloc (09022015). Collection method: clinical testing. Allele origin: germline.
Comment: This sequence change replaces arginine, which is basic and polar, with glutamine, which is neutral and polar, at codon 1152 of the CHD2 protein (p.Arg1152Gln). This variant also falls at the last nucleotide of exon 27, which is part of the consensus splice site for this exon. This variant is not present in population databases (gnomAD no frequency). This missense change has been observed in individual(s) with clinical features of CHD2-related conditions (internal data). In at least one individual the variant was observed to be de novo. ClinVar contains an entry for this variant (Variation ID: 2058262). An algorithm developed to predict the effect of missense changes on protein structure and function (PolyPhen-2) suggests that this variant is likely to be tolerated. Variants that disrupt the consensus splice site are a relatively common cause of aberrant splicing (PMID: 17576681, 9536098). Algorithms developed to predict the effect of sequence changes on RNA splicing suggest that this variant may disrupt the consensus splice site. This variant disrupts the p.Arg1152 amino acid residue in CHD2. Other variant(s) that disrupt this residue have been determined to be pathogenic (PMID: 32238909, 33619735). This suggests that this residue is clinically significant, and that variants that disrupt this residue are likely to be disease-causing. For these reasons, this variant has been classified as Pathogenic.

Literature cited by the submitters: PubMed 17576681; PubMed 9536098; PubMed 32238909; PubMed 33619735.